The following is an entry in ClinVar:

NM_152564.5(VPS13B):c.1061C>T (p.Pro354Leu)

Gene: VPS13B (vacuolar protein sorting 13 homolog B; plus strand). Cytogenetic location: 8q22.2.
Variant type: single nucleotide variant.
Coding change: c.1061C>T on transcript NM_152564.5 (MANE Select); coding-DNA position 1061, C replaced by T.
Protein change: p.Pro354Leu; replaces proline 354 with leucine.
Molecular consequence: missense variant. On other transcripts: non-coding transcript variant (1).
Genome position (GRCh38, 1-based): chr8:99,121,300, C>T. VCF-style: chr8-99121300-C-T. GRCh37 (hg19) VCF-style: chr8-100133528-C-T.
Other names: c.1061C>T, p.Pro354Leu (NM_015243.3, NM_017890.5, NM_181661.3); c.1061C>T (NM_017890.3); short protein forms P354L.
Identifiers: ClinVar variation 939797 (VCV000939797.7), dbSNP rs1274673849, ClinGen allele CA371861037.
Genomic context (GRCh38, chr8:99,121,300, plus strand): 5'-ATTCACAGCAAGATGAGGAGCAGCCACAGGGATGGGTGTCATGGGCCTGGTCCTTTGTGC[C>T]TGCAATTGTGAGTTATGACGATGGCGAGGAAGACTTTGTTGGGAACGATCCTGCATCAAC-3'
Protein context (NP_689777.3, residues 344-364): GWVSWAWSFV[Pro354Leu]AIVSYDDGEE

ClinVar aggregate classification (germline): Uncertain significance. Review status: criteria provided, multiple submitters, no conflicts (2 of 4 stars). 3 submissions from 3 submitters: Uncertain significance (2). 1 of the submissions does not count toward it. Last evaluated 2026-01-12.

Conditions:
Inborn genetic diseases. Identifiers: MedGen C0950123, MeSH D030342.
Cohen syndrome (COH1). Also called: PEPPER SYNDROME; Cutis verticis gyrata, retinitis pigmentosa, and sensorineural deafness. Identifiers: Orphanet 193, MedGen C0265223, MONDO:0008999, OMIM 216550.

Allele frequency attached by ClinVar (database versions not stated): gnomAD exomes below 0.00001; TOPMed below 0.00001.
gnomAD v4.1: 9 of 1,614,124 alleles (0.00056%); highest among the groups gnomAD compares: Non-Finnish European, 0.00076%; no homozygotes.

Submissions (3):

Labcorp Genetics (formerly Invitae), Labcorp
Classification: Uncertain significance for Cohen syndrome. Last evaluated: 2026-01-12. Review status: criteria provided, single submitter. Criteria: Invitae Variant Classification Sherloc (09022015). Collection method: clinical testing. Allele origin: germline.
Comment: This sequence change replaces proline, which is neutral and non-polar, with leucine, which is neutral and non-polar, at codon 354 of the VPS13B protein (p.Pro354Leu). This variant is present in population databases (no rsID available, gnomAD 0.0009%). This variant has not been reported in the literature in individuals affected with VPS13B-related conditions. ClinVar contains an entry for this variant (Variation ID: 939797). Invitae Evidence Modeling of protein sequence and biophysical properties (such as structural, functional, and spatial information, amino acid conservation, physicochemical variation, residue mobility, and thermodynamic stability) indicates that this missense variant is expected to disrupt VPS13B protein function with a positive predictive value of 80%. In summary, the available evidence is currently insufficient to determine the role of this variant in disease. Therefore, it has been classified as a Variant of Uncertain Significance.

Ambry Genetics
Classification: Uncertain significance for Inborn genetic diseases. Last evaluated: 2023-09-20. Review status: criteria provided, single submitter. Criteria: Ambry Variant Classification Scheme 2023. Collection method: clinical testing. Allele origin: germline.

Natera, Inc.
Classification: Uncertain significance for Cohen syndrome. Last evaluated: 2020-07-10. Review status: no assertion criteria provided. Collection method: clinical testing. Allele origin: germline. Not counted in ClinVar's aggregate classification.